The following is an entry in ClinVar:

NM_014927.5(CNKSR2):c.1904+2dup

Gene: CNKSR2 (connector enhancer of kinase suppressor of Ras 2; plus strand). Cytogenetic location: Xp22.12.
Variant type: Duplication.
Coding change: c.1904+2dup on transcript NM_014927.5 (MANE Select); the canonical splice donor site of the intron after coding-DNA position 1904, one base duplicated (T; older notation c.1904+2dupT).
Molecular consequence: splice donor variant.
Genome position (GRCh38, 1-based): chrX:21,595,049, T duplicated. VCF-style (leftmost placement, unchanged base first): chrX-21595048-G-GT. GRCh37 (hg19) VCF-style: chrX-21613166-G-GT.
Other names: c.1814+2dup (NM_001168647.3, NM_001330773.2); c.1757+2dup (NM_001330770.2, NM_001168649.3); c.1667+2dup (NM_001330772.2, NM_001330771.2); c.1904+2dup (NM_001168648.3).
Identifiers: ClinVar variation 4819045 (VCV004819045.2).
Genomic context (GRCh38, chrX:21,595,048, plus strand): 5'-AGGATTCATTAGCCTGCCTGAATTTAAAATTGATAGAGCCAGTGAATGCCGCAAAAAATA[G>GT]TAAGTTGATTTTATTTGGGAAGAGGGAACGATAGTTTTTTTTTTTAATTTCCAGCTTTTA-3'

ClinVar aggregate classification (germline): Uncertain significance (1 of 4 stars; one submission).

Conditions:
Intellectual developmental disorder, X-linked, syndromic, Houge type. Also called: MENTAL RETARDATION, X-LINKED, SYNDROMIC, HOUGE TYPE; Intellectual disability, X-linked, syndromic, Houge type. Identifiers: MedGen C4538788, MONDO:0030909, OMIM 301008.

Submission:

Victorian Clinical Genetics Services, Murdoch Childrens Research Institute
Classification: Uncertain significance for Intellectual developmental disorder, X-linked, syndromic, Houge type. Last evaluated: 2026-07-15. Review status: criteria provided, single submitter. Criteria: ACMG Guidelines, 2015. Collection method: clinical testing. Allele origin: germline. Affected: yes.
Comment: This variant is classified as VUS-3A. Evidence in support of pathogenic classification: Non-canonical splice site variant without proven consequence on splicing (no functional evidence available); Variant is absent from gnomAD (v2, v3 and v4); Abnormal splicing is predicted by in silico tool and affected nucleotide is highly conserved. Additional information: This gene is associated with X-linked disease; This variant has no previous evidence of pathogenicity; No published evidence of segregation with disease has been identified for this variant; No published functional evidence has been identified for this variant; No comparable splice region variants have previous evidence for pathogenicity; Loss of function is a known mechanism of disease in this gene and is associated with X-linked syndromic intellectual developmental disorder, Houge type (MIM#301008); Variants in this gene are known to have variable expressivity.

Literature cited by the submitters: PubMed 35053419.